The following is an entry in ClinVar:

NM_177438.3(DICER1):c.3210A>G (p.Leu1070=)

Gene: DICER1 (dicer 1, ribonuclease III; minus strand). Cytogenetic location: 14q32.13.
Variant type: single nucleotide variant.
Coding change: c.3210A>G on transcript NM_177438.3 (MANE Select); coding-DNA position 3210, A replaced by G.
Protein change: p.Leu1070=; no amino-acid change (leucine 1070 retained).
Molecular consequence: synonymous variant.
Genome position (GRCh38, 1-based): chr14:95,105,130, T>C on the plus strand (A>G on the coding strand, the complement: DICER1 is on the minus strand). VCF-style: chr14-95105130-T-C. GRCh37 (hg19) VCF-style: chr14-95571467-T-C.
Other names: c.3210A>G, p.Leu1070= (NM_001195573.1, NM_001271282.3, NM_001291628.2 and 1 more transcripts).
Identifiers: ClinVar variation 242079 (VCV000242079.21), dbSNP rs547156371, ClinGen allele CA7331086.
Genomic context (GRCh38, chr14:95,105,130, plus strand): 5'-CCTAAAATCCGCAGGAAGTGATCTGACTCCCACGCCAGCATCGCTGGCAGTCTGGGCTCT[T>C]AGCTCCTCTGCAGTCAAAAGGCAGTGAAGGCGATAAAGTATGCTGGGGAGACAAACAGCT-3'
Protein context (NP_803187.1, residues 1060-1080): RLHCLLTAEE[Leu1070=]RAQTASDAGV

ClinVar aggregate classification (germline): Benign/Likely benign. Review status: criteria provided, multiple submitters, no conflicts (2 of 4 stars). 6 submissions from 6 submitters: Benign (2); Likely benign (3). 1 of the submissions does not count toward it. Last evaluated 2026-04-17.

Conditions:
DICER1-related disorder. Also called: DICER1-related condition.
DICER1-related tumor predisposition. Also called: DICER1-related pleuropulmonary blastoma cancer predisposition syndrome; DICER1 syndrome. Identifiers: Orphanet 284343, MedGen C3839822, MONDO:0100216.
Hereditary cancer-predisposing syndrome. Also called: Hereditary neoplastic syndrome; Neoplastic Syndromes, Hereditary; Hereditary Cancer Syndrome; Tumor predisposition. Identifiers: Orphanet 140162, MedGen C0027672, MeSH D009386, MONDO:0015356.

Allele frequency attached by ClinVar (database versions not stated): gnomAD exomes 0.00001 and 0.00007; gnomAD 0.00003 and 0.00002; ExAC 0.00006; 1000 Genomes Project 30x 0.00031; 1000 Genomes Project 0.00040; TOPMed 0.00004.

Submissions (6):

Myriad Genetics, Inc.
Classification: Benign for DICER1-related tumor predisposition. Last evaluated: 2026-04-17. Review status: criteria provided, single submitter. Criteria: Myriad Autosomal Dominant, Autosomal Recessive and X-Linked Classification Criteria (2023). Collection method: clinical testing. Allele origin: unknown.
Comment: This variant is considered benign. This variant is a silent/synonymous amino acid change and it is not expected to impact splicing.

Labcorp Genetics (formerly Invitae), Labcorp
Classification: Likely benign for DICER1-related tumor predisposition. Last evaluated: 2026-01-25. Review status: criteria provided, single submitter. Criteria: Invitae Variant Classification Sherloc (09022015). Collection method: clinical testing. Allele origin: germline.

Quest Diagnostics Nichols Institute San Juan Capistrano
Classification: Benign. Last evaluated: 2023-03-20. Review status: criteria provided, single submitter. Criteria: Quest Diagnostics criteria. Collection method: clinical testing. Allele origin: unknown.

Sema4
Classification: Likely benign for Hereditary cancer-predisposing syndrome. Last evaluated: 2021-11-17. Review status: criteria provided, single submitter. Criteria: Sema4 Curation Guidelines. Collection method: curation. Allele origin: germline.

Ambry Genetics
Classification: Likely benign for Hereditary cancer-predisposing syndrome. Last evaluated: 2017-05-19. Review status: criteria provided, single submitter. Criteria: Ambry Variant Classification Scheme 2023. Collection method: clinical testing. Allele origin: germline.

PreventionGenetics, part of Exact Sciences
Classification: Likely benign for DICER1-related condition. Last evaluated: 2020-08-10. Review status: no assertion criteria provided. Collection method: clinical testing. Allele origin: germline. Not counted in ClinVar's aggregate classification.
Comment: This variant is classified as likely benign based on ACMG/AMP sequence variant interpretation guidelines (Richards et al. 2015 PMID: 25741868, with internal and published modifications).